The following is an entry in ClinVar:

NC_000017.10:g.(?_75398457)_(75398803_?)dup

Gene: SEPTIN9 (septin 9; plus strand). Cytogenetic location: 17q25.3.
Variant type: Duplication.
Identifiers: ClinVar variation 2445501 (VCV002445501.2).

ClinVar aggregate classification (germline): Uncertain significance (1 of 4 stars; one submission).

Submission:

Labcorp Genetics (formerly Invitae), Labcorp
Classification: Uncertain significance. Last evaluated: 2022-10-18. Review status: criteria provided, single submitter. Criteria: Invitae Variant Classification Sherloc (09022015). Collection method: clinical testing. Allele origin: germline.
Comment: In summary, the available evidence is currently insufficient to determine the role of this variant in disease. Therefore, it has been classified as a Variant of Uncertain Significance. Experimental studies and prediction algorithms are not available or were not evaluated, and the effect of this variant on mRNA splicing is currently unknown. This variant has not been reported in the literature in individuals affected with SEPT9-related conditions. This sequence change falls in intron 2 of the SEPT9 gene. It does not directly change the encoded amino acid sequence of the SEPT9 protein.